The following is an entry in ClinVar:

ClinVar aggregate classification (germline): Uncertain significance. Review status: criteria provided, multiple submitters, no conflicts (2 of 4 stars). 5 submissions from 5 submitters: Uncertain significance (5). Last evaluated 2026-07-01.

Conditions:
Hereditary cancer-predisposing syndrome. Also called: Neoplastic Syndromes, Hereditary; Hereditary Cancer Syndrome; Hereditary neoplastic syndrome; Tumor predisposition. Identifiers: Orphanet 140162, MedGen C0027672, MeSH D009386, MONDO:0015356.
Familial colorectal cancer type X. Identifiers: Orphanet 440437, MedGen C3896578, MONDO:0018604.
Colorectal cancer, susceptibility to, 12 (CRCS12). Also called: COLORECTAL CANCER, SUSCEPTIBILITY TO, ON CHROMOSOME 12q24. Identifiers: Orphanet 220460, MedGen C3554460, MONDO:0014038, OMIM 615083.

Allele frequency attached by ClinVar (database versions not stated): gnomAD exomes below 0.00001; ExAC 0.00001; gnomAD 0.00001; TOPMed 0.00001.
gnomAD v4.1: 12 of 1,604,446 alleles (0.00075%); highest among the groups gnomAD compares: Non-Finnish European, 0.001%; no homozygotes.

Submissions (5):

Ambry Genetics
Classification: Uncertain significance for Hereditary cancer-predisposing syndrome. Last evaluated: 2026-07-01. Review status: criteria provided, single submitter. Criteria: Ambry Variant Classification Scheme 2023. Collection method: clinical testing. Allele origin: germline.
Comment: The p.P269A variant (also known as c.805C>G), located in coding exon 9 of the POLE gene, results from a C to G substitution at nucleotide position 805. The proline at codon 269 is replaced by alanine, an amino acid with highly similar properties. This amino acid position is highly conserved in available vertebrate species. In addition, this alteration is predicted to be tolerated by in silico analysis. Since supporting evidence is limited at this time, the clinical significance of this alteration remains unclear.

Labcorp Genetics (formerly Invitae), Labcorp
Classification: Uncertain significance. Last evaluated: 2025-10-08. Review status: criteria provided, single submitter. Criteria: Invitae Variant Classification Sherloc (09022015). Collection method: clinical testing. Allele origin: germline.
Comment: This sequence change replaces proline, which is neutral and non-polar, with alanine, which is neutral and non-polar, at codon 269 of the POLE protein (p.Pro269Ala). This variant is present in population databases (rs757438555, gnomAD 0.0009%). This variant has not been reported in the literature in individuals affected with POLE-related conditions. ClinVar contains an entry for this variant (Variation ID: 653768). Invitae Evidence Modeling of protein sequence and biophysical properties (such as structural, functional, and spatial information, amino acid conservation, physicochemical variation, residue mobility, and thermodynamic stability) indicates that this missense variant is not expected to disrupt POLE protein function with a negative predictive value of 80%. In summary, the available evidence is currently insufficient to determine the role of this variant in disease. Therefore, it has been classified as a Variant of Uncertain Significance.

Baylor Genetics
Classification: Uncertain significance for Colorectal cancer, susceptibility to, 12. Last evaluated: 2024-02-02. Review status: criteria provided, single submitter. Criteria: ACMG Guidelines, 2015. Collection method: clinical testing. Allele origin: unknown.

GeneDx
Classification: Uncertain significance. Last evaluated: 2023-02-03. Review status: criteria provided, single submitter. Criteria: GeneDx Variant Classification Process June 2021. Collection method: clinical testing. Allele origin: germline. Affected: yes.
Comment: Not observed at significant frequency in large population cohorts (gnomAD); In silico analysis supports that this missense variant has a deleterious effect on protein structure/function; Has not been previously published as pathogenic or benign to our knowledge; This variant is associated with the following publications: (PMID: 20951805)

Department of Pathology and Laboratory Medicine, Sinai Health System
Classification: Uncertain significance for Familial colorectal cancer type X. Last evaluated: 2021-01-19. Review status: criteria provided, single submitter. Criteria: ACMG Guidelines, 2015. Collection method: clinical testing. Allele origin: germline. Affected: yes.

NM_006231.4(POLE):c.805C>G (p.Pro269Ala)

Gene: POLE (DNA polymerase epsilon, catalytic subunit; minus strand). Cytogenetic location: 12q24.33.
Variant type: single nucleotide variant.
Coding change: c.805C>G on transcript NM_006231.4 (MANE Select); coding-DNA position 805, C replaced by G.
Protein change: p.Pro269Ala; replaces proline 269 with alanine.
Molecular consequence: missense variant.
Genome position (GRCh38, 1-based): chr12:132,676,650, G>C on the plus strand (C>G on the coding strand, the complement: POLE is on the minus strand). VCF-style: chr12-132676650-G-C. GRCh37 (hg19) VCF-style: chr12-133253236-G-C.
Other names: short protein forms P269A.
Identifiers: ClinVar variation 653768 (VCV000653768.22), dbSNP rs757438555, ClinGen allele CA6894165.
Genomic context (GRCh38, chr12:132,676,650, plus strand): 5'-CAGCATCAGGAAACTTGAGGGGCAGTTTGGTCGTCTCAATGTCAAATGCCAAAACCACAG[G>C]GTCCTGTGGGGACAAAATAAGCATAAAGCCAAGCTCTAAACTCCCCATTAGGCCTCCCTG-3'
Protein context (NP_006222.2, residues 259-279): RRDDLVERPD[Pro269Ala]VVLAFDIETT